The following is an entry in ClinVar:

NM_001177693.2(ARHGEF28):c.4959C>T (p.Thr1653=)

Gene: ARHGEF28 (Rho guanine nucleotide exchange factor 28; plus strand). Cytogenetic location: 5q13.2.
Variant type: single nucleotide variant.
Coding change: c.4959C>T on transcript NM_001177693.2 (MANE Select); coding-DNA position 4959, C replaced by T.
Protein change: p.Thr1653=; no amino-acid change (threonine 1653 retained).
Molecular consequence: synonymous variant.
Genome position (GRCh38, 1-based): chr5:73,940,854, C>T. VCF-style: chr5-73940854-C-T. GRCh37 (hg19) VCF-style: chr5-73236679-C-T.
Other names: c.5037C>T, p.Thr1679= (NM_001080479.3); c.4020C>T, p.Thr1340= (NM_001244364.2); c.4665C>T, p.Thr1555= (NM_001388076.1).
Identifiers: ClinVar variation 3354566 (VCV003354566.1).

ClinVar aggregate classification (germline): Likely benign (0 of 4 stars; one submission).

Conditions:
ARHGEF28-related disorder. Also called: ARHGEF28-related condition.

Submission:

PreventionGenetics, part of Exact Sciences
Classification: Likely benign for ARHGEF28-related condition. Last evaluated: 2023-08-01. Review status: no assertion criteria provided. Collection method: clinical testing. Allele origin: germline.
Comment: This variant is classified as likely benign based on ACMG/AMP sequence variant interpretation guidelines (Richards et al. 2015 PMID: 25741868, with internal and published modifications).